The following is an entry in ClinVar:

ClinVar aggregate classification (germline): Likely pathogenic (1 of 4 stars; one submission).

Conditions:
Cardiovascular phenotype. Identifiers: MedGen CN230736.

Submission:

Ambry Genetics
Classification: Likely pathogenic for Cardiovascular phenotype. Last evaluated: 2026-02-09. Review status: criteria provided, single submitter. Criteria: Ambry Variant Classification Scheme 2023. Collection method: clinical testing. Allele origin: germline.
Comment: The c.37398_37399insALU likely pathogenic variant results from the insertion of an Alu element between nucleotides 37398 and 37399 in coding exon 136 of the TTN gene. This exon is located in the A-band region of the N2-B isoform of the titin protein and is constitutively expressed in TTN transcripts (percent spliced in or PSI 100%). Mobile element insertions contribute to pathogenicity by either disrupting the coding sequence or inducing aberrant splicing (Belancio VP et al. Semin. Cancer Biol. 2010 Aug;20:200-10; Deininger P et al. Genome Biol. 2011 Dec;12:236; van der Klift HM Hum Mutat. 2012 Jul;33(7):1051-5). This variant is expected to result in loss of function by premature protein truncation or nonsense-mediated mRNA decay. While truncating variants in TTN are present in 1-3% of the general population, truncating variants in the A-band are the most common cause of dilated cardiomyopathy (Herman DS et al. N. Engl. J. Med., 2012 Feb;366:619-28; Roberts AM et al. Sci Transl Med, 2015 Jan;7:270ra6). TTN truncating variants encoded in constitutive exons (PSI >90%) have been found to be significantly associated with DCM regardless of their position in titin (Schafer S et al. Nat. Genet., 2017 01;49:46-53; Akhtar MM et al. Circ Heart Fail, 2020 Oct;13:e006832; Massier M et al. Clin Genet, 2025 Jan). Based on the majority of available evidence to date, this variant is likely to be pathogenic.

NM_003319.4:c.37398_37399insALU

Gene: TTN (titin; minus strand).
Variant type: Insertion.
Other names: c.37398_37399insALU (NM_003319.4).
Identifiers: ClinVar variation 4824737 (VCV004824737.1).